The following is an entry in ClinVar:

ClinVar aggregate classification (germline): Uncertain significance (1 of 4 stars; one submission).

Conditions:
Hereditary cancer-predisposing syndrome. Also called: Neoplastic Syndromes, Hereditary; Tumor predisposition; Hereditary Cancer Syndrome; Hereditary neoplastic syndrome. Identifiers: Orphanet 140162, MedGen C0027672, MeSH D009386, MONDO:0015356.

Submission:

Ambry Genetics
Classification: Uncertain significance for Hereditary cancer-predisposing syndrome. Last evaluated: 2025-05-09. Review status: criteria provided, single submitter. Criteria: Ambry Variant Classification Scheme 2023. Collection method: clinical testing. Allele origin: germline.
Comment: The c.6976-16T>A intronic variant results from a T to A substitution 16 nucleotides upstream from coding exon 47 in the ATM gene. This nucleotide position is well conserved in available vertebrate species. In silico splice site analysis predicts that this alteration may weaken the native splice acceptor site; however, direct evidence is insufficient at this time (Ambry internal data). Based on the available evidence, the clinical significance of this variant remains unclear.

NM_000051.4(ATM):c.6976-16T>A

Genes: ATM (ATM serine/threonine kinase; plus strand), C11orf65 (chromosome 11 open reading frame 65; minus strand). Cytogenetic location: 11q22.3.
Variant type: single nucleotide variant.
Coding change: c.6976-16T>A on transcript NM_000051.4 (MANE Select); 16 bases into the intron before coding-DNA position 6976, T replaced by A.
Molecular consequence: intron variant.
Genome position (GRCh38, 1-based): chr11:108,327,629, T>A. VCF-style: chr11-108327629-T-A. GRCh37 (hg19) VCF-style: chr11-108198356-T-A.
Other names: c.6976-16T>A (NM_001351834.2); c.641-18558A>T (NM_001330368.2); c.*38+7591A>T (NM_001351110.2).
Identifiers: ClinVar variation 3966740 (VCV003966740.1).